The following is an entry in ClinVar:

ClinVar aggregate classification (germline): Uncertain significance (1 of 4 stars; one submission).

Conditions:
Nephronophthisis. Also called: Juvenile Nephronophthisis. Identifiers: Orphanet 655, MedGen C0687120, MONDO:0019005, HP:0000090.

Submission:

Labcorp Genetics (formerly Invitae), Labcorp
Classification: Uncertain significance for Nephronophthisis. Last evaluated: 2021-10-18. Review status: criteria provided, single submitter. Criteria: Invitae Variant Classification Sherloc (09022015). Collection method: clinical testing. Allele origin: germline.
Comment: This sequence change replaces alanine with glutamic acid at codon 940 of the NPHP4 protein (p.Ala940Glu). The alanine residue is weakly conserved and there is a moderate physicochemical difference between alanine and glutamic acid. This variant is not present in population databases (ExAC no frequency). This variant has not been reported in the literature in individuals affected with NPHP4-related conditions. Algorithms developed to predict the effect of missense changes on protein structure and function are either unavailable or do not agree on the potential impact of this missense change (SIFT: "Tolerated"; PolyPhen-2: "Probably Damaging"; Align-GVGD: "Class C0"). In summary, the available evidence is currently insufficient to determine the role of this variant in disease. Therefore, it has been classified as a Variant of Uncertain Significance.

NM_015102.5(NPHP4):c.2819C>A (p.Ala940Glu)

Gene: NPHP4 (nephrocystin 4; minus strand). Cytogenetic location: 1p36.31.
Variant type: single nucleotide variant.
Coding change: c.2819C>A on transcript NM_015102.5 (MANE Select); coding-DNA position 2819, C replaced by A.
Protein change: p.Ala940Glu; replaces alanine 940 with glutamic acid.
Molecular consequence: missense variant. On other transcripts: non-coding transcript variant (1).
Genome position (GRCh38, 1-based): chr1:5,875,099, G>T on the plus strand (C>A on the coding strand, the complement: NPHP4 is on the minus strand). VCF-style: chr1-5875099-G-T. GRCh37 (hg19) VCF-style: chr1-5935159-G-T.
Other names: c.1280C>A, p.Ala427Glu (NM_001291593.2); c.1283C>A, p.Ala428Glu (NM_001291594.2); short protein forms A940E, A427E, A428E.
Identifiers: ClinVar variation 1401553 (VCV001401553.3), dbSNP rs200136271, ClinGen allele CA338056746.